The following is an entry in ClinVar:

ClinVar aggregate classification (germline): Uncertain significance (1 of 4 stars; one submission).

Conditions:
Neurodegeneration with brain iron accumulation 5 (NBIA5). Also called: Beta-propeller protein-associated neurodegeneration; STATIC ENCEPHALOPATHY OF CHILDHOOD WITH NEURODEGENERATION IN ADULTHOOD. Identifiers: Orphanet 329284, MedGen C3550973, MONDO:0010476, OMIM 300894.

Allele frequency attached by ClinVar (database versions not stated): gnomAD exomes below 0.00001.
gnomAD v4.1: 2 of 1,199,936 alleles (0.00017%); highest among the groups gnomAD compares: Non-Finnish European, 0.00022%; no homozygotes.

Submission:

Labcorp Genetics (formerly Invitae), Labcorp
Classification: Uncertain significance for Neurodegeneration with brain iron accumulation 5. Last evaluated: 2021-06-18. Review status: criteria provided, single submitter. Criteria: Invitae Variant Classification Sherloc (09022015). Collection method: clinical testing. Allele origin: germline.
Comment: Algorithms developed to predict the effect of missense changes on protein structure and function are either unavailable or do not agree on the potential impact of this missense change (SIFT: "Deleterious"; PolyPhen-2: "Possibly Damaging"; Align-GVGD: "Class C0"). This variant has been observed in one or more individuals who were not affected with WDR45-related conditions (Invitae). This variant is not present in population databases (ExAC no frequency). This sequence change replaces proline with leucine at codon 72 of the WDR45 protein (p.Pro72Leu). The proline residue is highly conserved and there is a moderate physicochemical difference between proline and leucine. In summary, the available evidence is currently insufficient to determine the role of this variant in disease. Therefore, it has been classified as a Variant of Uncertain Significance.

NM_001029896.2(WDR45):c.215C>T (p.Pro72Leu)

Genes: WDR45 (WD repeat domain 45; minus strand), LOC126863256 (BRD4-independent group 4 enhancer GRCh37_chrX:48934848-48936047; plus strand). Cytogenetic location: Xp11.23.
Variant type: single nucleotide variant.
Coding change: c.215C>T on transcript NM_001029896.2 (MANE Select); coding-DNA position 215, C replaced by T.
Protein change: p.Pro72Leu; replaces proline 72 with leucine.
Molecular consequence: missense variant.
Genome position (GRCh38, 1-based): chrX:49,077,663, G>A on the plus strand (C>T on the coding strand, the complement: WDR45 is on the minus strand). VCF-style: chrX-49077663-G-A. GRCh37 (hg19) VCF-style: chrX-48935322-G-A.
Other names: c.215C>T, p.Pro72Leu (NM_007075.4); short protein forms P72L.
Identifiers: ClinVar variation 1479692 (VCV001479692.8), dbSNP rs11545581, ClinGen allele CA412949081.
Genomic context (GRCh38, chrX:49,077,663, plus strand): 5'-CCGAGAAATCTGGGCCAAAGGGCAGGATGAGGGCACTTACCTGAGATCTCTGAGAACTTG[G>A]GACTACTACCACCGCCCACCAAGGCCAGAAGGTTGGAGCGGTGCAGCATCTCCACCAAGC-3'
Protein context (NP_001025067.1, residues 62-82): LLALVGGGSS[Pro72Leu]KFSEISVLIW